The following is an entry in ClinVar:

NM_007118.4(TRIO):c.6924CGG[5] (p.Gly2312_Ala2313insGly)

Gene: TRIO (trio Rho guanine nucleotide exchange factor; plus strand). Cytogenetic location: 5p15.2.
Variant type: Microsatellite.
Coding change: c.6924CGG[5] on transcript NM_007118.4 (MANE Select); five copies in a row of the 3-base unit CGG starting at c.6924; the reference has four copies in a row; one copy, 3 bases duplicated.
Protein change: p.Gly2312_Ala2313insGly.
Molecular consequence: inframe insertion. On other transcripts: non-coding transcript variant (1).
Genome position (GRCh38, 1-based): chr5:14,487,561-14,487,563, CGG duplicated; duplicating any 3 consecutive bases within chr5:14,487,551-14,487,563 gives the same sequence; the position shown is the placement nearest the transcript's 3' end. VCF-style (leftmost placement, unchanged base first): chr5-14487550-A-AGCG. GRCh37 (hg19) VCF-style: chr5-14487659-A-AGCG.
Identifiers: ClinVar variation 2575688 (VCV002575688.2), dbSNP rs936357157, ClinGen allele CA114003693.
Genomic context (GRCh38, chr5:14,487,550, plus strand): 5'-AGGAACCACAGCGGGGGCGGCGGCGGCGGCGGCAGCGGGGGCAGCGGCGGGGGTGGGGGC[A>AGCG]GCGGCGGCGGCGGGGCCCCCAGTGGCGGCAGCGGCCACAGTGGCGGCCCCAGCAGCTGCG-3'

ClinVar aggregate classification (germline): Uncertain significance (1 of 4 stars; one submission).

Submission:

GeneDx
Classification: Uncertain significance. Last evaluated: 2026-02-14. Review status: criteria provided, single submitter. Criteria: GeneDx Variant Classification Process June 2021. Collection method: clinical testing. Allele origin: germline. Affected: yes.
Comment: Not observed at significant frequency in large population cohorts (gnomAD); In-frame duplication of 1 amino acid(s) in a repetitive region with no known function; Has not been previously published as pathogenic or benign to our knowledge